The following is an entry in ClinVar:

ClinVar aggregate classification (germline): Pathogenic/Likely pathogenic. Review status: criteria provided, multiple submitters, no conflicts (2 of 4 stars). 3 submissions from 3 submitters: Pathogenic (2); Likely pathogenic (1). Last evaluated 2025-09-10.

Conditions:
Adams-Oliver syndrome (AOS). Identifiers: Orphanet 974, MedGen C0265268, MONDO:0007034.
Adams-Oliver syndrome 2 (AOS2). Identifiers: Orphanet 974, MedGen C3280182, MONDO:0013635, OMIM 614219.

Allele frequency attached by ClinVar (database versions not stated): gnomAD exomes 0.00001 and 0.00002; gnomAD 0.00002; ExAC 0.00003; TOPMed 0.00004; ESP Exome Variant Server 0.00008.
gnomAD v4.1: 23 of 1,611,358 alleles (0.0014%); highest among the groups gnomAD compares: African/African-American, 0.011%; no homozygotes.

Submissions (3):

Genomic Medicine Center of Excellence, King Faisal Specialist Hospital and Research Centre
Classification: Pathogenic for Adams-Oliver syndrome 2. Last evaluated: 2025-09-10. Review status: criteria provided, single submitter. Criteria: ACMG Guidelines, 2015. Collection method: clinical testing. Allele origin: germline.

Labcorp Genetics (formerly Invitae), Labcorp
Classification: Pathogenic. Last evaluated: 2024-10-26. Review status: criteria provided, single submitter. Criteria: Invitae Variant Classification Sherloc (09022015). Collection method: clinical testing. Allele origin: germline.
Comment: This sequence change creates a premature translational stop signal (p.Arg1526*) in the DOCK6 gene. It is expected to result in an absent or disrupted protein product. Loss-of-function variants in DOCK6 are known to be pathogenic (PMID: 21820096, 25824905). This variant is present in population databases (rs374530179, gnomAD 0.01%). This variant has not been reported in the literature in individuals affected with DOCK6-related conditions. ClinVar contains an entry for this variant (Variation ID: 504926). For these reasons, this variant has been classified as Pathogenic.

Laboratory for Molecular Medicine, Mass General Brigham Personalized Medicine
Classification: Likely pathogenic for Adams-Oliver syndrome. Last evaluated: 2016-04-08. Review status: criteria provided, single submitter. Criteria: LMM Criteria. Collection method: clinical testing. Allele origin: germline. Inheritance: Autosomal recessive inheritance. Observed: 1 variant allele.
Comment: The p.Arg1526X variant in DOCK6 has not been reported in individuals with Adams- Oliver syndrome. It is a nonsense variant that leads to a premature termination codon at position 1526, which is predicted to lead to a truncated or absent prot ein. This variant has been identified in 3/98220 of chromosomes by the Exome Agg regation Consortium (ExAC; dbSNP rs374530179) th ough its frequency is low enough to be consistent with a recessive carrier frequ ency. In summary, although additional studies are required to fully establish it s clinical significance, the p.Arg1526X variant is likely pathogenic for Adams-O liver syndrome in a recessive manner based upon predicted loss of function of th e protein.

Literature cited by the submitters: PubMed 21820096 (cited by Labcorp Genetics (formerly Invitae), Labcorp); PubMed 25824905 (cited by Labcorp Genetics (formerly Invitae), Labcorp).

NM_020812.4(DOCK6):c.4576C>T (p.Arg1526Ter)

Genes: DOCK6 (dedicator of cytokinesis 6; minus strand), DOCK6-AS1 (DOCK6 antisense RNA 1; plus strand). Cytogenetic location: 19p13.2.
Variant type: single nucleotide variant.
Coding change: c.4576C>T on transcript NM_020812.4 (MANE Select); coding-DNA position 4576, C replaced by T.
Protein change: p.Arg1526Ter; replaces arginine 1526 with a stop codon.
Molecular consequence: nonsense.
Genome position (GRCh38, 1-based): chr19:11,212,067, G>A on the plus strand (C>T on the coding strand, the complement: DOCK6 is on the minus strand). VCF-style: chr19-11212067-G-A. GRCh37 (hg19) VCF-style: chr19-11322743-G-A.
Other names: c.4681C>T, p.Arg1561Ter (NM_001367830.1); short protein forms R1526*, R1561*.
Identifiers: ClinVar variation 504926 (VCV000504926.10), dbSNP rs374530179, ClinGen allele CA9206795.